The following is an entry in ClinVar:

NM_015459.5(ATL3):c.940T>C (p.Ser314Pro)

Genes: ATL3 (atlastin GTPase 3; minus strand), LNCROPM (lncRNA regulator of PLAAT3 mediated phospholipid metabolism; plus strand). Cytogenetic location: 11q13.1.
Variant type: single nucleotide variant.
Coding change: c.940T>C on transcript NM_015459.5 (MANE Select); coding-DNA position 940, T replaced by C.
Protein change: p.Ser314Pro; replaces serine 314 with proline.
Molecular consequence: missense variant.
Genome position (GRCh38, 1-based): chr11:63,636,245, A>G on the plus strand (T>C on the coding strand, the complement: ATL3 is on the minus strand). VCF-style: chr11-63636245-A-G. GRCh37 (hg19) VCF-style: chr11-63403717-A-G.
Other names: c.886T>C, p.Ser296Pro (NM_001290048.2); short protein forms S296P, S314P.
Identifiers: ClinVar variation 582189 (VCV000582189.11), dbSNP rs762851508, ClinGen allele CA6063651.

ClinVar aggregate classification (germline): Uncertain significance. Review status: criteria provided, multiple submitters, no conflicts (2 of 4 stars). 2 submissions from 2 submitters: Uncertain significance (2). Last evaluated 2025-10-08.

Conditions:
Neuropathy, hereditary sensory, type 1F. Also called: Hereditary sensory neuropathy type IF; HSN IF. Identifiers: Orphanet 36386, MedGen C3810194, MONDO:0014286, OMIM 615632.
Inborn genetic diseases. Identifiers: MedGen C0950123, MeSH D030342.

Allele frequency attached by ClinVar (database versions not stated): gnomAD 0.00015 and 0.00014; gnomAD exomes 0.00002; TOPMed 0.00025; ExAC 0.00002.
gnomAD v4.1: 49 of 1,614,020 alleles (0.003%); highest among the groups gnomAD compares: African/African-American, 0.033%; no homozygotes.

Submissions (2):

Labcorp Genetics (formerly Invitae), Labcorp
Classification: Uncertain significance for Neuropathy, hereditary sensory, type 1F. Last evaluated: 2025-10-08. Review status: criteria provided, single submitter. Criteria: Invitae Variant Classification Sherloc (09022015). Collection method: clinical testing. Allele origin: germline.
Comment: This sequence change replaces serine, which is neutral and polar, with proline, which is neutral and non-polar, at codon 314 of the ATL3 protein (p.Ser314Pro). This variant is present in population databases (rs762851508, gnomAD 0.02%). This variant has not been reported in the literature in individuals affected with ATL3-related conditions. ClinVar contains an entry for this variant (Variation ID: 582189). Invitae Evidence Modeling of protein sequence and biophysical properties (such as structural, functional, and spatial information, amino acid conservation, physicochemical variation, residue mobility, and thermodynamic stability) indicates that this missense variant is not expected to disrupt ATL3 protein function with a negative predictive value of 80%. In summary, the available evidence is currently insufficient to determine the role of this variant in disease. Therefore, it has been classified as a Variant of Uncertain Significance.

Ambry Genetics
Classification: Uncertain significance for Inborn genetic diseases. Last evaluated: 2019-08-30. Review status: criteria provided, single submitter. Criteria: Ambry Variant Classification Scheme 2023. Collection method: clinical testing. Allele origin: germline.
Comment: The p.S314P variant (also known as c.940T>C), located in coding exon 9 of the ATL3 gene, results from a T to C substitution at nucleotide position 940. The serine at codon 314 is replaced by proline, an amino acid with similar properties. This amino acid position is well conserved in available vertebrate species. In addition, this alteration is predicted to be tolerated by in silico analysis. Since supporting evidence is limited at this time, the clinical significance of this alteration remains unclear.